The following is an entry in ClinVar:

NM_198076.6(COX20):c.268A>T (p.Ile90Phe)

Gene: COX20 (cytochrome c oxidase assembly factor COX20; plus strand). Cytogenetic location: 1q44.
Variant type: single nucleotide variant.
Coding change: c.268A>T on transcript NM_198076.6 (MANE Select); coding-DNA position 268, A replaced by T.
Protein change: p.Ile90Phe; replaces isoleucine 90 with phenylalanine.
Molecular consequence: missense variant. On other transcripts: 3 prime UTR variant (1), non-coding transcript variant (3).
Genome position (GRCh38, 1-based): chr1:244,843,087, A>T. VCF-style: chr1-244843087-A-T. GRCh37 (hg19) VCF-style: chr1-245006389-A-T.
Other names: c.268A>T, p.Ile90Phe (NM_001312871.1); c.304A>T, p.Ile102Phe (NM_001312872.1); c.133A>T, p.Ile45Phe (NM_001312873.1); c.*78A>T (NM_001312874.1); short protein forms I102F, I45F, I90F.
Identifiers: ClinVar variation 2430836 (VCV002430836.2), dbSNP rs2527473723, ClinGen allele CA345485272.

ClinVar aggregate classification (germline): Uncertain significance. Review status: criteria provided, multiple submitters, no conflicts (2 of 4 stars). 2 submissions from 2 submitters: Uncertain significance (2). Last evaluated 2025-04-02.

Conditions:
Inborn genetic diseases. Identifiers: MedGen C0950123, MeSH D030342.

Submissions (2):

Ambry Genetics
Classification: Uncertain significance for Inborn genetic diseases. Last evaluated: 2025-04-02. Review status: criteria provided, single submitter. Criteria: Ambry Variant Classification Scheme 2023. Collection method: clinical testing. Allele origin: germline.

GeneDx
Classification: Uncertain significance. Last evaluated: 2022-08-22. Review status: criteria provided, single submitter. Criteria: GeneDx Variant Classification Process June 2021. Collection method: clinical testing. Allele origin: germline. Affected: yes.
Comment: Not observed at significant frequency in large population cohorts (gnomAD); In silico analysis supports that this missense variant does not alter protein structure/function